The following is an entry in ClinVar:

NM_198525.3(KIF7):c.1134C>G (p.His378Gln)

Gene: KIF7 (kinesin family member 7; minus strand). Cytogenetic location: 15q26.1.
Variant type: single nucleotide variant.
Coding change: c.1134C>G on transcript NM_198525.3 (MANE Select); coding-DNA position 1134, C replaced by G.
Protein change: p.His378Gln; replaces histidine 378 with glutamine.
Molecular consequence: missense variant.
Genome position (GRCh38, 1-based): chr15:89,648,564, G>C on the plus strand (C>G on the coding strand, the complement: KIF7 is on the minus strand). VCF-style: chr15-89648564-G-C. GRCh37 (hg19) VCF-style: chr15-90191795-G-C.
Other names: c.1134C>G (NM_198525.2); short protein forms H378Q.
Identifiers: ClinVar variation 2188389 (VCV002188389.5), dbSNP rs760397762, ClinGen allele CA7728584.

ClinVar aggregate classification (germline): Uncertain significance. Review status: criteria provided, multiple submitters, no conflicts (2 of 4 stars). 2 submissions from 2 submitters: Uncertain significance (2). Last evaluated 2025-12-16.

Conditions:
Inborn genetic diseases. Identifiers: MedGen C0950123, MeSH D030342.
Acrocallosal syndrome (ACLS). Also called: HALLUX DUPLICATION, POSTAXIAL POLYDACTYLY, AND ABSENCE OF CORPUS CALLOSUM; Schinzel syndrome 1; Absence of corpus callosum with unusual facial appearance, mental deficiency, duplication of the halluces and polydactyly. Identifiers: Orphanet 36, MedGen C0796147, MONDO:0008708, OMIM 200990.

Allele frequency attached by ClinVar (database versions not stated): gnomAD exomes below 0.00001; gnomAD 0.00002; TOPMed 0.00002; 1000 Genomes Project 30x 0.00016.
gnomAD v4.1: 9 of 1,469,580 alleles (0.00061%); highest among the groups gnomAD compares: African/African-American, 0.0087%; no homozygotes.

Submissions (2):

Ambry Genetics
Classification: Uncertain significance for Inborn genetic diseases. Last evaluated: 2025-12-16. Review status: criteria provided, single submitter. Criteria: Ambry Variant Classification Scheme 2023. Collection method: clinical testing. Allele origin: germline.

Labcorp Genetics (formerly Invitae), Labcorp
Classification: Uncertain significance for Acrocallosal syndrome. Last evaluated: 2022-06-13. Review status: criteria provided, single submitter. Criteria: Invitae Variant Classification Sherloc (09022015). Collection method: clinical testing. Allele origin: germline.
Comment: In summary, the available evidence is currently insufficient to determine the role of this variant in disease. Therefore, it has been classified as a Variant of Uncertain Significance. Algorithms developed to predict the effect of missense changes on protein structure and function (SIFT, PolyPhen-2, Align-GVGD) all suggest that this variant is likely to be tolerated. This variant has not been reported in the literature in individuals affected with KIF7-related conditions. This variant is present in population databases (rs760397762, gnomAD 0.02%). This sequence change replaces histidine, which is basic and polar, with glutamine, which is neutral and polar, at codon 378 of the KIF7 protein (p.His378Gln).